The following is an entry in ClinVar:

NM_001384732.1(CPLANE1):c.4403C>G (p.Ser1468Cys)

Genes: CPLANE1 (ciliogenesis and planar polarity effector complex subunit 1; minus strand), LOC129389274 (MPRA-validated peak5227 silencer; plus strand). Cytogenetic location: 5p13.2.
Variant type: single nucleotide variant.
Coding change: c.4403C>G on transcript NM_001384732.1 (MANE Select); coding-DNA position 4403, C replaced by G.
Protein change: p.Ser1468Cys; replaces serine 1468 with cysteine.
Molecular consequence: missense variant.
Genome position (GRCh38, 1-based): chr5:37,184,866, G>C on the plus strand (C>G on the coding strand, the complement: CPLANE1 is on the minus strand). VCF-style: chr5-37184866-G-C. GRCh37 (hg19) VCF-style: chr5-37184968-G-C.
Other names: c.4403C>G, p.Ser1468Cys (NM_023073.4); short protein forms S1468C.
Identifiers: ClinVar variation 261671 (VCV000261671.19), dbSNP rs150556877, ClinGen allele CA3238710.

ClinVar aggregate classification (germline): Conflicting classifications of pathogenicity. Review status: criteria provided, conflicting classifications (1 of 4 stars). 5 submissions from 5 submitters: Uncertain significance (2); Benign (1); Likely benign (2). Last evaluated 2026-10-18.

Conditions:
Joubert syndrome 17 (JBTS17). Identifiers: Orphanet 475, MedGen C3553264, MONDO:0013824, OMIM 614615.

Allele frequency attached by ClinVar (database versions not stated): ESP Exome Variant Server 0.00077; 1000 Genomes Project 30x 0.00125; gnomAD exomes 0.00020; gnomAD 0.00076 and 0.00070; TOPMed 0.00079; 1000 Genomes Project 0.00120; ExAC 0.00023.
gnomAD v4.1: 281 of 1,614,086 alleles (0.017%); highest among the groups gnomAD compares: African/African-American, 0.25%; no homozygotes.

Submissions (5):

GeneDx
Classification: Uncertain significance. Last evaluated: 2026-10-18. Review status: criteria provided, single submitter. Criteria: GeneDx Variant Classification Process June 2021. Collection method: clinical testing. Allele origin: germline.
Comment: In silico analysis supports that this missense variant has a deleterious effect on protein structure/function; Has not been previously published as pathogenic or benign to our knowledge

Labcorp Genetics (formerly Invitae), Labcorp
Classification: Likely benign. Last evaluated: 2025-12-22. Review status: criteria provided, single submitter. Criteria: Invitae Variant Classification Sherloc (09022015). Collection method: clinical testing. Allele origin: germline.

Blueprint Genetics
Classification: Benign. Last evaluated: 2024-07-05. Review status: criteria provided, single submitter. Criteria: ACMG Guidelines, 2015. Collection method: clinical testing. Allele origin: germline.

Illumina Laboratory Services, Illumina
Classification: Uncertain significance for Joubert syndrome 17. Last evaluated: 2018-01-13. Review status: criteria provided, single submitter. Criteria: ICSL Variant Classification Criteria 13 December 2019. Collection method: clinical testing. Allele origin: germline.

PreventionGenetics, part of Exact Sciences
Classification: Likely benign. Review status: criteria provided, single submitter. Criteria: ACMG Guidelines, 2015. Collection method: clinical testing. Allele origin: germline.